The following is an entry in ClinVar:

NM_017654.4(SAMD9):c.2049C>A (p.Phe683Leu)

Gene: SAMD9 (sterile alpha motif domain containing 9; minus strand). Cytogenetic location: 7q21.2.
Variant type: single nucleotide variant.
Coding change: c.2049C>A on transcript NM_017654.4 (MANE Select); coding-DNA position 2049, C replaced by A.
Protein change: p.Phe683Leu; replaces phenylalanine 683 with leucine.
Molecular consequence: missense variant.
Genome position (GRCh38, 1-based): chr7:93,104,049, G>T on the plus strand (C>A on the coding strand, the complement: SAMD9 is on the minus strand). VCF-style: chr7-93104049-G-T. GRCh37 (hg19) VCF-style: chr7-92733362-G-T.
Other names: c.2049C>A, p.Phe683Leu (NM_001193307.2); short protein forms F683L.
Identifiers: ClinVar variation 2087589 (VCV002087589.4), dbSNP rs2535359255, ClinGen allele CA368193519.

ClinVar aggregate classification (germline): Uncertain significance (1 of 4 stars; one submission).

Submission:

Labcorp Genetics (formerly Invitae), Labcorp
Classification: Uncertain significance. Last evaluated: 2022-01-18. Review status: criteria provided, single submitter. Criteria: Invitae Variant Classification Sherloc (09022015). Collection method: clinical testing. Allele origin: germline.
Comment: Algorithms developed to predict the effect of missense changes on protein structure and function are either unavailable or do not agree on the potential impact of this missense change (SIFT: "Deleterious"; PolyPhen-2: "Probably Damaging"; Align-GVGD: "Class C0"). This sequence change replaces phenylalanine, which is neutral and non-polar, with leucine, which is neutral and non-polar, at codon 683 of the SAMD9 protein (p.Phe683Leu). This variant is not present in population databases (gnomAD no frequency). This variant has not been reported in the literature in individuals affected with SAMD9-related conditions. In summary, the available evidence is currently insufficient to determine the role of this variant in disease. Therefore, it has been classified as a Variant of Uncertain Significance.